The following is an entry in ClinVar:

NM_000535.7(PMS2):c.802T>C (p.Tyr268His)

Gene: PMS2 (PMS1 homolog 2, mismatch repair system component; minus strand). Cytogenetic location: 7p22.1.
Variant type: single nucleotide variant.
Coding change: c.802T>C on transcript NM_000535.7 (MANE Select); coding-DNA position 802, T replaced by C.
Protein change: p.Tyr268His; replaces tyrosine 268 with histidine.
Molecular consequence: missense variant. On other transcripts: 5 prime UTR variant (2), non-coding transcript variant (1).
Genome position (GRCh38, 1-based): chr7:5,997,327, A>G on the plus strand (T>C on the coding strand, the complement: PMS2 is on the minus strand). VCF-style: chr7-5997327-A-G. GRCh37 (hg19) VCF-style: chr7-6036958-A-G.
Other names: c.397T>C, p.Tyr133His (NM_001322003.2, NM_001322004.2, NM_001322005.2 and 2 more transcripts); c.802T>C, p.Tyr268His (NM_001322006.2, NM_001322014.2); c.484T>C, p.Tyr162His (NM_001322007.2, NM_001322008.2); c.-132T>C (NM_001322011.2, NM_001322012.2); c.229T>C, p.Tyr77His (NM_001322013.2); c.493T>C, p.Tyr165His (NM_001322015.2); c.802T>C (NM_000535.6); short protein forms Y77H, Y133H, Y165H, Y162H, Y268H.
Identifiers: ClinVar variation 827408 (VCV000827408.16), dbSNP rs1583373654, ClinGen allele CA366743604.

ClinVar aggregate classification (germline): Uncertain significance. Review status: criteria provided, multiple submitters, no conflicts (2 of 4 stars). 3 submissions from 3 submitters: Uncertain significance (3). Last evaluated 2026-01-08.

Conditions:
Hereditary nonpolyposis colorectal neoplasms. Identifiers: MedGen C0009405, MeSH D003123.
Hereditary cancer-predisposing syndrome. Also called: Neoplastic Syndromes, Hereditary; Tumor predisposition; Hereditary neoplastic syndrome; Hereditary Cancer Syndrome. Identifiers: Orphanet 140162, MedGen C0027672, MeSH D009386, MONDO:0015356.

Submissions (3):

Labcorp Genetics (formerly Invitae), Labcorp
Classification: Uncertain significance for Hereditary nonpolyposis colorectal neoplasms. Last evaluated: 2026-01-08. Review status: criteria provided, single submitter. Criteria: Invitae Variant Classification Sherloc (09022015). Collection method: clinical testing. Allele origin: germline.
Comment: This sequence change replaces tyrosine, which is neutral and polar, with histidine, which is basic and polar, at codon 268 of the PMS2 protein (p.Tyr268His). This variant is not present in population databases (gnomAD no frequency). This variant has not been reported in the literature in individuals affected with PMS2-related conditions. ClinVar contains an entry for this variant (Variation ID: 827408). Invitae Evidence Modeling incorporating data from in vitro experimental studies (internal data) indicates that this missense variant is not expected to disrupt PMS2 function with a negative predictive value of 95%. In summary, the available evidence is currently insufficient to determine the role of this variant in disease. Therefore, it has been classified as a Variant of Uncertain Significance.

Quest Diagnostics Nichols Institute San Juan Capistrano
Classification: Uncertain significance. Last evaluated: 2025-04-04. Review status: criteria provided, single submitter. Criteria: Quest Diagnostics criteria. Collection method: clinical testing. Allele origin: unknown.
Comment: The PMS2 c.802T>C (p.Tyr268His) variant has not been reported in individuals with PMS2-related conditions in the published literature. It also has not been reported in large, multi-ethnic general populations (Genome Aggregation Database). Analysis of this variant using bioinformatics tools for the prediction of the effect of amino acid changes on protein structure and function yielded predictions that this variant is benign. Based on the available information, we are unable to determine the clinical significance of this variant.

Ambry Genetics
Classification: Uncertain significance for Hereditary cancer-predisposing syndrome. Last evaluated: 2024-07-24. Review status: criteria provided, single submitter. Criteria: Ambry Variant Classification Scheme 2023. Collection method: clinical testing. Allele origin: germline.
Comment: The p.Y268H variant (also known as c.802T>C), located in coding exon 7 of the PMS2 gene, results from a T to C substitution at nucleotide position 802. The tyrosine at codon 268 is replaced by histidine, an amino acid with similar properties. This amino acid position is poorly conserved in available vertebrate species. In addition, this alteration is predicted to be tolerated by in silico analysis. Since supporting evidence is limited at this time, the clinical significance of this alteration remains unclear.